The following is an entry in ClinVar:

ClinVar aggregate classification (germline): Uncertain significance (1 of 4 stars; one submission).

Conditions:
Developmental and epileptic encephalopathy 94 (DEE94). Also called: CHD2-Related Neurodevelopmental Disorders; Epileptic encephalopathy, childhood-onset. Identifiers: Orphanet 1942, Orphanet 2382, MedGen C3809278, MONDO:0014150, OMIM 615369.

Submission:

Labcorp Genetics (formerly Invitae), Labcorp
Classification: Uncertain significance for Developmental and epileptic encephalopathy 94. Last evaluated: 2024-05-15. Review status: criteria provided, single submitter. Criteria: Invitae Variant Classification Sherloc (09022015). Collection method: clinical testing. Allele origin: germline.
Comment: This sequence change replaces cysteine, which is neutral and slightly polar, with phenylalanine, which is neutral and non-polar, at codon 440 of the CHD2 protein (p.Cys440Phe). This variant is not present in population databases (gnomAD no frequency). This variant has not been reported in the literature in individuals affected with CHD2-related conditions. ClinVar contains an entry for this variant (Variation ID: 1014487). Advanced modeling of protein sequence and biophysical properties (such as structural, functional, and spatial information, amino acid conservation, physicochemical variation, residue mobility, and thermodynamic stability) performed at Invitae indicates that this missense variant is not expected to disrupt CHD2 protein function with a negative predictive value of 95%. In summary, the available evidence is currently insufficient to determine the role of this variant in disease. Therefore, it has been classified as a Variant of Uncertain Significance.

NM_001271.4(CHD2):c.1319G>T (p.Cys440Phe)

Gene: CHD2 (chromodomain helicase DNA binding protein 2; plus strand). Cytogenetic location: 15q26.1.
Variant type: single nucleotide variant.
Coding change: c.1319G>T on transcript NM_001271.4 (MANE Select); coding-DNA position 1319, G replaced by T.
Protein change: p.Cys440Phe; replaces cysteine 440 with phenylalanine.
Molecular consequence: missense variant.
Genome position (GRCh38, 1-based): chr15:92,946,158, G>T. VCF-style: chr15-92946158-G-T. GRCh37 (hg19) VCF-style: chr15-93489388-G-T.
Other names: c.1319G>T, p.Cys440Phe (NM_001042572.3); short protein forms C440F.
Identifiers: ClinVar variation 1014487 (VCV001014487.9), dbSNP rs2053464128, ClinGen allele CA393903867.